The following is an entry in ClinVar:

NM_000334.4(SCN4A):c.3484A>G (p.Asn1162Asp)

Genes: GH-LCR (growth hormone locus control region; plus strand), SCN4A (sodium voltage-gated channel alpha subunit 4; minus strand). Cytogenetic location: 17q23.3.
Variant type: single nucleotide variant.
Coding change: c.3484A>G on transcript NM_000334.4 (MANE Select); coding-DNA position 3484, A replaced by G.
Protein change: p.Asn1162Asp; replaces asparagine 1162 with aspartic acid.
Molecular consequence: missense variant.
Genome position (GRCh38, 1-based): chr17:63,945,596, T>C on the plus strand (A>G on the coding strand, the complement: SCN4A is on the minus strand). VCF-style: chr17-63945596-T-C. GRCh37 (hg19) VCF-style: chr17-62022956-T-C.
Other names: short protein forms N1162D.
Identifiers: ClinVar variation 5039977 (VCV005039977.1).

ClinVar aggregate classification (germline): Uncertain significance (1 of 4 stars; one submission).

Submission:

CeGaT Center for Human Genetics Tuebingen
Classification: Uncertain significance. Last evaluated: 2026-08-01. Review status: criteria provided, single submitter. Criteria: CeGaT Center For Human Genetics Tuebingen Variant Classification Criteria Version 2. Collection method: clinical testing. Allele origin: germline. Affected: yes. Observed: 1 variant allele.
Comment: SCN4A: PM2, PP3